The following is an entry in ClinVar:

ClinVar aggregate classification (germline): Uncertain significance. Review status: criteria provided, multiple submitters, no conflicts (2 of 4 stars). 4 submissions from 4 submitters: Uncertain significance (4). Last evaluated 2025-03-07.

Conditions:
Renal-hepatic-pancreatic dysplasia 2 (RHPD2). Identifiers: MedGen C3809434, MONDO:0014174, OMIM 615415.
Polycystic kidney disease 8. Identifiers: MedGen C5935640, MONDO:0971178, OMIM 620903.
Nephronophthisis 9 (NPHP9). Identifiers: Orphanet 655, MedGen C3151188, MONDO:0013444, OMIM 613824.

Allele frequency attached by ClinVar (database versions not stated): gnomAD exomes 0.00003; ExAC 0.00004; gnomAD 0.00004 and 0.00005; TOPMed 0.00004.
gnomAD v4.1: 163 of 1,612,978 alleles (0.01%); highest among the groups gnomAD compares: Middle Eastern, 0.033%; no homozygotes.

Submissions (4):

GeneDx
Classification: Uncertain significance. Last evaluated: 2025-03-07. Review status: criteria provided, single submitter. Criteria: GeneDx Variant Classification Process June 2021. Collection method: clinical testing. Allele origin: germline. Affected: yes.
Comment: Has not been previously published as pathogenic or benign to our knowledge; In silico analysis is inconclusive as to whether the variant alters gene splicing; in the absence of RNA/functional studies the actual effect of this sequence change is unknown

Fulgent Genetics
Classification: Uncertain significance for Nephronophthisis 9; Renal-hepatic-pancreatic dysplasia 2; Polycystic kidney disease 8. Last evaluated: 2024-04-24. Review status: criteria provided, single submitter. Criteria: ACMG Guidelines, 2015. Collection method: clinical testing. Allele origin: germline.

CeGaT Center for Human Genetics Tuebingen
Classification: Uncertain significance. Last evaluated: 2024-03-01. Review status: criteria provided, single submitter. Criteria: CeGaT Center For Human Genetics Tuebingen Variant Classification Criteria Version 2. Collection method: clinical testing. Allele origin: germline. Affected: yes. Observed: 1 variant allele.
Comment: NEK8: PM2:Supporting

Illumina Laboratory Services, Illumina
Classification: Uncertain significance for Nephronophthisis 9. Last evaluated: 2018-01-13. Review status: criteria provided, single submitter. Criteria: ICSL Variant Classification Criteria 13 December 2019. Collection method: clinical testing. Allele origin: germline.

NM_178170.3(NEK8):c.801C>T (p.Thr267=)

Gene: NEK8 (NIMA related kinase 8; plus strand). Cytogenetic location: 17q11.2.
Variant type: single nucleotide variant.
Coding change: c.801C>T on transcript NM_178170.3 (MANE Select); coding-DNA position 801, C replaced by T.
Protein change: p.Thr267=; no amino-acid change (threonine 267 retained).
Molecular consequence: synonymous variant.
Genome position (GRCh38, 1-based): chr17:28,737,488, C>T. VCF-style: chr17-28737488-C-T. GRCh37 (hg19) VCF-style: chr17-27064506-C-T.
Identifiers: ClinVar variation 889703 (VCV000889703.26), dbSNP rs754756615, ClinGen allele CA8467165.